The following is an entry in ClinVar:

ClinVar aggregate classification (germline): Uncertain significance (1 of 4 stars; one submission).

Conditions:
Retinoblastoma (RB1). Also called: RETINOBLASTOMA, SOMATIC. Identifiers: Orphanet 790, MedGen C0035335, MeSH D012175, MONDO:0008380, OMIM 180200, HP:0009919. Disease mechanism: loss of function. Inheritance: Both sporadic and heritable forms are tested..

Submission:

Labcorp Genetics (formerly Invitae), Labcorp
Classification: Uncertain significance for Retinoblastoma. Last evaluated: 2021-05-10. Review status: criteria provided, single submitter. Criteria: Invitae Variant Classification Sherloc (09022015). Collection method: clinical testing. Allele origin: germline.
Comment: This variant has not been reported in the literature in individuals with RB1-related conditions. This variant is not present in population databases (ExAC no frequency). This sequence change replaces serine with proline at codon 646 of the RB1 protein (p.Ser646Pro). The serine residue is highly conserved and there is a moderate physicochemical difference between serine and proline. In summary, the available evidence is currently insufficient to determine the role of this variant in disease. Therefore, it has been classified as a Variant of Uncertain Significance. Algorithms developed to predict the effect of missense changes on protein structure and function (SIFT, PolyPhen-2, Align-GVGD) all suggest that this variant is likely to be disruptive, but these predictions have not been confirmed by published functional studies and their clinical significance is uncertain.

NM_000321.3(RB1):c.1936T>C (p.Ser646Pro)

Gene: RB1 (RB transcriptional corepressor 1; plus strand). Cytogenetic location: 13q14.2.
Variant type: single nucleotide variant.
Coding change: c.1936T>C on transcript NM_000321.3 (MANE Select); coding-DNA position 1936, T replaced by C.
Protein change: p.Ser646Pro; replaces serine 646 with proline.
Molecular consequence: missense variant.
Genome position (GRCh38, 1-based): chr13:48,456,325, T>C. VCF-style: chr13-48456325-T-C. GRCh37 (hg19) VCF-style: chr13-49030461-T-C.
Other names: short protein forms S646P.
Identifiers: ClinVar variation 1468879 (VCV001468879.8), dbSNP rs2138331564, ClinGen allele CA388166211.